The following is an entry in ClinVar:

NM_199420.4(POLQ):c.1738G>A (p.Gly580Arg)

Gene: POLQ (DNA polymerase theta; minus strand). Cytogenetic location: 3q13.33.
Variant type: single nucleotide variant.
Coding change: c.1738G>A on transcript NM_199420.4 (MANE Select); coding-DNA position 1738, G replaced by A.
Protein change: p.Gly580Arg; replaces glycine 580 with arginine.
Molecular consequence: missense variant.
Genome position (GRCh38, 1-based): chr3:121,510,117, C>T on the plus strand (G>A on the coding strand, the complement: POLQ is on the minus strand). VCF-style: chr3-121510117-C-T. GRCh37 (hg19) VCF-style: chr3-121228964-C-T.
Other names: short protein forms G580R.
Identifiers: ClinVar variation 1779128 (VCV001779128.3), dbSNP rs984349817, ClinGen allele CA81851492.

ClinVar aggregate classification (germline): Uncertain significance (1 of 4 stars; one submission).

Allele frequency attached by ClinVar (database versions not stated): gnomAD exomes below 0.00001; gnomAD 0.00001; TOPMed 0.00001.

Submission:

Ambry Genetics
Classification: Uncertain significance. Last evaluated: 2024-04-10. Review status: criteria provided, single submitter. Criteria: Ambry Variant Classification Scheme 2023. Collection method: clinical testing. Allele origin: germline.
Comment: The p.G580R variant (also known as c.1738G>A), located in coding exon 11 of the POLQ gene, results from a G to A substitution at nucleotide position 1738. The glycine at codon 580 is replaced by arginine, an amino acid with dissimilar properties. This amino acid position is conserved. In addition, the in silico prediction for this alteration is inconclusive. Since supporting evidence is limited at this time, the clinical significance of this alteration remains unclear.